The following is an entry in ClinVar:

NM_000709.4(BCKDHA):c.1110_1119del (p.Gln371fs)

Gene: BCKDHA (branched chain keto acid dehydrogenase E1 subunit alpha; plus strand). Cytogenetic location: 19q13.2.
Variant type: Deletion.
Coding change: c.1110_1119del on transcript NM_000709.4 (MANE Select); coding-DNA positions 1110 to 1119, 10 bases deleted (CCAAGGCTGG; older notation c.1110_1119delCCAAGGCTGG).
Protein change: p.Gln371fs; shifts the reading frame from glutamine 371.
Molecular consequence: frameshift variant.
Genome position (GRCh38, 1-based): chr19:41,423,112-41,423,121, CCAAGGCTGG deleted; deleting any 10 consecutive bases within chr19:41,423,111-41,423,121 gives the same sequence; the c. name uses the placement nearest the transcript's 3' end. VCF-style (leftmost placement, unchanged base first): chr19-41423110-AGCCAAGGCTG-A. GRCh37 (hg19) VCF-style: chr19-41929015-AGCCAAGGCTG-A.
Other names: c.1107_1116del, p.Gln370fs (NM_001164783.2); short protein forms Q370fs, Q371fs.
Identifiers: ClinVar variation 639492 (VCV000639492.8), dbSNP rs1599962569, ClinGen allele CA915952937.

ClinVar aggregate classification (germline): Pathogenic (1 of 4 stars; one submission).

Conditions:
Maple syrup urine disease (MSUD). Identifiers: Orphanet 511, MedGen C0024776, MeSH D008375, MONDO:0009563. Disease mechanism: loss of function.

Submission:

Labcorp Genetics (formerly Invitae), Labcorp
Classification: Pathogenic for Maple syrup urine disease. Last evaluated: 2023-07-14. Review status: criteria provided, single submitter. Criteria: Invitae Variant Classification Sherloc (09022015). Collection method: clinical testing. Allele origin: germline.
Comment: For these reasons, this variant has been classified as Pathogenic. This variant disrupts a region of the BCKDHA protein in which other variant(s) (p.Tyr438Asn) have been determined to be pathogenic (PMID: 2703538, 11825067, 12888983, 20136525, 26830710, 28170084). This suggests that this is a clinically significant region of the protein, and that variants that disrupt it are likely to be disease-causing. This premature translational stop signal has been observed in individual(s) with maple syrup urine disease (PMID: 33996492). ClinVar contains an entry for this variant (Variation ID: 639492). This sequence change creates a premature translational stop signal (p.Gln371Glyfs*17) in the BCKDHA gene. While this is not anticipated to result in nonsense mediated decay, it is expected to disrupt the last 75 amino acid(s) of the BCKDHA protein. This variant is not present in population databases (gnomAD no frequency).

Literature cited by the submitters: PubMed 2703538; PubMed 11825067; PubMed 12888983; PubMed 20136525; PubMed 26830710; PubMed 28170084; PubMed 33996492.